The following is an entry in ClinVar:

NM_000138.5(FBN1):c.6254G>A (p.Cys2085Tyr)

Gene: FBN1 (fibrillin 1; minus strand). Cytogenetic location: 15q21.1.
Variant type: single nucleotide variant.
Coding change: c.6254G>A on transcript NM_000138.5 (MANE Select); coding-DNA position 6254, G replaced by A.
Protein change: p.Cys2085Tyr; replaces cysteine 2085 with tyrosine.
Molecular consequence: missense variant.
Genome position (GRCh38, 1-based): chr15:48,437,827, C>T on the plus strand (G>A on the coding strand, the complement: FBN1 is on the minus strand). VCF-style: chr15-48437827-C-T. GRCh37 (hg19) VCF-style: chr15-48730024-C-T.
Other names: NM_000138.5(FBN1):c.6254G>A; p.Cys2085Tyr; short protein forms C2085Y.
Identifiers: ClinVar variation 547338 (VCV000547338.20), dbSNP rs1555395261, ClinGen allele CA392337017.
Genomic context (GRCh38, chr15:48,437,827, plus strand): 5'-CCATCAGGTTCCGTGGGGCAGAGCTCGCAGGGGTCTCCCCAGCCTTCTCCCTTCAAGGCA[C>T]AGCAGCATTCCTGCTTGGAGTGATTTCTGGATTTGGGTGATGAACACTTTCCTCCTTCAA-3'
Protein context (NP_000129.3, residues 2075-2095): SRNHSKQECC[Cys2085Tyr]ALKGEGWGDP

ClinVar aggregate classification (germline): Likely pathogenic. Review status: reviewed by expert panel (3 of 4 stars). 4 submissions from 4 submitters: Likely pathogenic (1). 3 of the submissions do not count toward it. Last evaluated 2024-08-22.

Conditions:
Marfan syndrome (MFS). Also called: Marfan syndrome type 1; Marfan syndrome, classic; Marfan's syndrome; FBN1-Related Marfan Syndrome; MARFAN SYNDROME, TYPE I. Identifiers: Orphanet 284963, Orphanet 558, MedGen C0024796, MONDO:0007947, OMIM 154700.

Submissions (4):

ClinGen FBN1 Variant Curation Expert Panel, ClinGen
Classification: Likely pathogenic for Marfan syndrome. Last evaluated: 2024-08-22. Review status: reviewed by expert panel. Criteria: Assertion Criteria VCEP FBN1 Version 1. Collection method: curation. Allele origin: germline. Inheritance: Autosomal dominant inheritance.
Comment: NM_000138.5 c.6254G>A is a missense variant in FBN1 predicted to cause a substitution of a cysteine by tyrosine at amino acid 2085 (p.Cys2085Tyr). This variant was found in a proband with a phenotype that satisfies the revised Ghent criteria for a clinical diagnosis of Marfan syndrome (MFS) (PP4; PMID: 25907466). It has been identified in another individual who meets clinical diagnostic criteria for MFS and one who does not meet diagnostic criteria but has thoracic aortic aneurysm (TAA) and a systemic score of 4 (PS4_moderate; PMID: 29768367; Bichat internal data). It has been reported 2 times in ClinVar as likely pathogenic (1) and of uncertain significance (1) (Variation ID: 547338). It is not present in gnomAD (PM2_supporting). This variant alters a cysteine in a TGFβ binding-protein-like (TB) domain, in which cysteine residues are believed to form disulfide bridges important for proper protein folding (PM1). Computational prediction tools and conservation analysis suggest that this variant may impact the protein structure (PP3; REVEL = 0.886). A different variant at the same amino acid position (c.6253T>G:p.Cys2085Gly) has been identified in at least two individuals with TAA and ectopia lentis and is classified as pathogenic or likely pathogenic; this further supports the functional importance of this amino acid position (PM5; Invitae internal data). The constraint z-score for missense variants affecting FBN1 is 8.2 (PP2; gnomAD v4.1.0). In summary, this variant meets criteria to be classified as likely pathogenic for Marfan syndrome based on the ACMG/AMP criteria applied, as specified by the ClinGen FBN1 VCEP: PM1, PM5, PP2, PP3, PP4, PM2_supporting, PS4_supporting.

GeneDx
Classification: Likely pathogenic. Last evaluated: 2024-08-07. Review status: criteria provided, single submitter. Criteria: GeneDx Variant Classification Process June 2021. Collection method: clinical testing. Allele origin: germline. Affected: yes. Not counted in ClinVar's aggregate classification.
Comment: Identified in a patient with Marfan syndrome in published literature (PMID: 25907466); Not observed at significant frequency in large population cohorts (gnomAD); Affects a cysteine residue within a TGF-binding protein domain (aka TB domain or 8-Cysteine domain) and is expected to disrupt disulfide bonding within this domain; other missense substitutions that affect cysteine residues within this TGF-binding protein domain have been reported in association with various FBN1-related phenotypes, including Marfan syndrome (HGMD); In silico analysis supports that this missense variant has a deleterious effect on protein structure/function; This variant is associated with the following publications: (PMID: 35058154, 25907466)

Centre of Medical Genetics, University of Antwerp
Classification: Likely pathogenic for Marfan syndrome. Last evaluated: 2021-03-01. Review status: criteria provided, single submitter. Criteria: Submitter's publication. Collection method: research. Allele origin: unknown. Affected: yes. Not counted in ClinVar's aggregate classification.
Comment: PM2, PS5, PP4

Center for Human Genetics, Inc
Classification: Uncertain significance for Marfan syndrome. Last evaluated: 2016-11-01. Review status: criteria provided, single submitter. Criteria: ACMG Guidelines, 2015. Collection method: clinical testing. Allele origin: germline. Affected: yes. Not counted in ClinVar's aggregate classification.